The following is an entry in ClinVar:

NM_003737.4(DCHS1):c.7203T>A (p.Thr2401=)

Gene: DCHS1 (dachsous cadherin-related 1; minus strand). Cytogenetic location: 11p15.4.
Variant type: single nucleotide variant.
Coding change: c.7203T>A on transcript NM_003737.4 (MANE Select); coding-DNA position 7203, T replaced by A.
Protein change: p.Thr2401=; no amino-acid change (threonine 2401 retained).
Molecular consequence: synonymous variant.
Genome position (GRCh38, 1-based): chr11:6,624,812, A>T on the plus strand (T>A on the coding strand, the complement: DCHS1 is on the minus strand). VCF-style: chr11-6624812-A-T. GRCh37 (hg19) VCF-style: chr11-6646043-A-T.
Identifiers: ClinVar variation 1934423 (VCV001934423.5), dbSNP rs773236358, ClinGen allele CA5859658.
Genomic context (GRCh38, chr11:6,624,812, plus strand): 5'-GCCATCGGCAGGGGAAGCCAGGTGGTAGGAAATGTGACCGTTGGCACCTGAGTCCCGATC[A>T]GTGGCAGAGACGGAGAGAATGGCACTGCCTGGGGGTGTGTGCTCAAGCAGCATTACCTGA-3'
Protein context (NP_003728.1, residues 2391-2411): PGSAILSVSA[Thr2401=]DRDSGANGHI

ClinVar aggregate classification (germline): Uncertain significance (1 of 4 stars; one submission).

Allele frequency attached by ClinVar (database versions not stated): TOPMed below 0.00001; ExAC 0.00001; gnomAD 0.00001; gnomAD exomes 0.00001.
gnomAD v4.1: 19 of 1,613,852 alleles (0.0012%); highest among the groups gnomAD compares: Non-Finnish European, 0.0016%; no homozygotes.

Submission:

Labcorp Genetics (formerly Invitae), Labcorp
Classification: Uncertain significance. Last evaluated: 2025-12-08. Review status: criteria provided, single submitter. Criteria: Invitae Variant Classification Sherloc (09022015). Collection method: clinical testing. Allele origin: germline.
Comment: This sequence change affects codon 2401 of the DCHS1 mRNA. It is a 'silent' change, meaning that it does not change the encoded amino acid sequence of the DCHS1 protein. This variant is present in population databases (rs773236358, gnomAD 0.002%). This variant has not been reported in the literature in individuals affected with DCHS1-related conditions. ClinVar contains an entry for this variant (Variation ID: 1934423). Algorithms developed to predict the effect of sequence changes on RNA splicing suggest that this variant may create or strengthen a splice site. In summary, the available evidence is currently insufficient to determine the role of this variant in disease. Therefore, it has been classified as a Variant of Uncertain Significance.